The following is an entry in ClinVar:

ClinVar aggregate classification (germline): Pathogenic. Review status: criteria provided, multiple submitters, no conflicts (2 of 4 stars). 4 submissions from 4 submitters: Pathogenic (3). 1 of the submissions does not count toward it. Last evaluated 2026-03-05.

Conditions:
CHD7-related CHARGE syndrome. Identifiers: MedGen CN380413, MONDO:1010178, OMIM 214800.
CHD7-related disorder. Also called: CHD7-related condition.
CHARGE syndrome (CHARGE). Also called: Hittner Hirsch Kreh syndrome; CHARGE ASSOCIATION--COLOBOMA, HEART ANOMALY, CHOANAL ATRESIA, RETARDATION, GENITAL AND EAR ANOMALIES; Coloboma, heart anomaly, choanal atresia, retardation, genital and ear anomalies; CHARGE association; Hall-Hittner syndrome. Identifiers: Orphanet 138, MedGen C0265354, MONDO:0008965.

Submissions (4):

Victorian Clinical Genetics Services, Murdoch Childrens Research Institute
Classification: Pathogenic for CHD7-related CHARGE syndrome. Last evaluated: 2026-03-05. Review status: criteria provided, single submitter. Criteria: ACMG Guidelines, 2015. Collection method: clinical testing. Allele origin: germline. Affected: yes.
Comment: This variant is classified as Pathogenic. Evidence in support of pathogenic classification: Variant is predicted to cause nonsense-mediated decay (NMD) and loss of protein (premature termination codon is located at least 54 nucleotides upstream of the final exon-exon junction); Variant is absent from gnomAD (v2, v3 and v4); This variant has moderate previous evidence of pathogenicity in unrelated individuals. This variant has been classified as pathogenic in ClinVar, and reported in the literature in at least one heterozygous individual with CHARGE syndrome (PMID: 34527879); Other NMD-predicted variant(s) comparable to the one identified in this case have very strong previous evidence for pathogenicity (DECIPHER); Additional information: This variant is heterozygous; This gene is associated with autosomal dominant disease; Loss of function is a known mechanism of disease in this gene and is associated with CHARGE syndrome (MIM#214800) and hypogonadotropic hypogonadism 5 with or without anosmia (MIM#612370); Variants in this gene are known to have variable expressivity (PMID: 20301296).

Labcorp Genetics (formerly Invitae), Labcorp
Classification: Pathogenic for CHARGE syndrome. Last evaluated: 2024-02-03. Review status: criteria provided, single submitter. Criteria: Invitae Variant Classification Sherloc (09022015). Collection method: clinical testing. Allele origin: germline.
Comment: This sequence change creates a premature translational stop signal (p.Gln2073*) in the CHD7 gene. It is expected to result in an absent or disrupted protein product. Loss-of-function variants in CHD7 are known to be pathogenic (PMID: 22461308, 25077900). This variant is not present in population databases (gnomAD no frequency). This premature translational stop signal has been observed in individual(s) with clinical features of CHD7-related conditions (PMID: 29304373, 35982127). ClinVar contains an entry for this variant (Variation ID: 1185684). For these reasons, this variant has been classified as Pathogenic.

Rady Children's Institute for Genomic Medicine, Rady Children's Hospital San Diego
Classification: Pathogenic for CHD7-related disorders. Last evaluated: 2024-01-02. Review status: criteria provided, single submitter. Criteria: ACMG Guidelines, 2015. Collection method: clinical testing. Allele origin: germline. Affected: yes.
Comment: This nonsense variant found in exon 31 of 38 is predicted to result in loss of normal protein function through either protein truncation or nonsense-mediated mRNA decay. The CHD7 gene is constrained against variation (Z-score= 3.22 and pLI = 1), and loss-of-function variants are an established mechanism of disease (HGMD, ClinVar database; PMID: 20301296). This variant has been previously identified as a de novo change or as a heterozygous change, unknown inheritance, in individuals with CHD7-related disorders (PMID: 29304373, 34527879, 35982127, 30968598). The c.6217C>T (p.Gln2073Ter) variant is absent from the gnomAD population database and thus is presumed to be rare. Based on the available evidence, c.6217C>T (p.Gln2073Ter) is classified as Pathogenic.

Deafness Molecular Diagnostic Center, Chinese PLA General Hospital
Classification: Pathogenic for CHD7-related CHARGE syndrome. Review status: no assertion criteria provided. Criteria: ACMG Guidelines, 2015. Collection method: case-control. Allele origin: de novo. Affected: yes. Not counted in ClinVar's aggregate classification.

Literature cited by the submitters: PubMed 20301296 (cited by Victorian Clinical Genetics Services, Murdoch Childrens Research Institute); PubMed 22461308 (cited by Labcorp Genetics (formerly Invitae), Labcorp); PubMed 25077900 (cited by Labcorp Genetics (formerly Invitae), Labcorp); PubMed 29304373 (cited by Labcorp Genetics (formerly Invitae), Labcorp); PubMed 35982127 (cited by Labcorp Genetics (formerly Invitae), Labcorp).

NM_017780.4(CHD7):c.6217C>T (p.Gln2073Ter)

Gene: CHD7 (chromodomain helicase DNA binding protein 7; plus strand). Cytogenetic location: 8q12.2.
Variant type: single nucleotide variant.
Coding change: c.6217C>T on transcript NM_017780.4 (MANE Select); coding-DNA position 6217, C replaced by T.
Protein change: p.Gln2073Ter; replaces glutamine 2073 with a stop codon.
Molecular consequence: nonsense. On other transcripts: intron variant (1).
Genome position (GRCh38, 1-based): chr8:60,852,942, C>T. VCF-style: chr8-60852942-C-T. GRCh37 (hg19) VCF-style: chr8-61765501-C-T.
Other names: c.1717-9287C>T (NM_001316690.1); c.6217C>T (NM_017780.3); short protein forms Q2073*.
Identifiers: ClinVar variation 1185684 (VCV001185684.6), dbSNP rs2150809777, ClinGen allele CA371324464.